The following is an entry in ClinVar:

NM_032776.3(JMJD1C):c.7495C>A (p.Leu2499Ile)

Gene: JMJD1C (jumonji domain containing 1C; minus strand). Cytogenetic location: 10q21.3.
Variant type: single nucleotide variant.
Coding change: c.7495C>A on transcript NM_032776.3 (MANE Select); coding-DNA position 7495, C replaced by A.
Protein change: p.Leu2499Ile; replaces leucine 2499 with isoleucine.
Molecular consequence: missense variant. On other transcripts: non-coding transcript variant (1).
Genome position (GRCh38, 1-based): chr10:63,168,473, G>T on the plus strand (C>A on the coding strand, the complement: JMJD1C is on the minus strand). VCF-style: chr10-63168473-G-T. GRCh37 (hg19) VCF-style: chr10-64928233-G-T.
Other names: c.6949C>A, p.Leu2317Ile (NM_001282948.2, NM_001318154.2); c.6631C>A, p.Leu2211Ile (NM_001318153.2); c.7381C>A, p.Leu2461Ile (NM_001322252.2); c.6838C>A, p.Leu2280Ile (NM_001322254.2, NM_001322258.2); c.7495C>A (NM_032776.1); short protein forms L2211I, L2280I, L2317I, L2461I, L2499I.
Identifiers: ClinVar variation 1002232 (VCV001002232.7), dbSNP rs532878838, ClinGen allele CA208343916.

ClinVar aggregate classification (germline): Uncertain significance. Review status: criteria provided, multiple submitters, no conflicts (2 of 4 stars). 2 submissions from 2 submitters: Uncertain significance (2). Last evaluated 2025-08-13.

Conditions:
Early Myoclonic Encephalopathy. Identifiers: MedGen C0270855.

Allele frequency attached by ClinVar (database versions not stated): TOPMed 0.00002; gnomAD 0.00004; gnomAD exomes 0.00001.
gnomAD v4.1: 22 of 1,610,166 alleles (0.0014%); highest among the groups gnomAD compares: Non-Finnish European, 0.0018%; no homozygotes.

Submissions (2):

Ambry Genetics
Classification: Uncertain significance. Last evaluated: 2025-08-13. Review status: criteria provided, single submitter. Criteria: Ambry Variant Classification Scheme 2023. Collection method: clinical testing. Allele origin: germline.

Labcorp Genetics (formerly Invitae), Labcorp
Classification: Uncertain significance for Early Myoclonic Encephalopathy. Last evaluated: 2021-08-28. Review status: criteria provided, single submitter. Criteria: Invitae Variant Classification Sherloc (09022015). Collection method: clinical testing. Allele origin: germline.
Comment: This sequence change replaces leucine with isoleucine at codon 2499 of the JMJD1C protein (p.Leu2499Ile). The leucine residue is moderately conserved and there is a small physicochemical difference between leucine and isoleucine. This variant is not present in population databases (ExAC no frequency). This variant has not been reported in the literature in individuals affected with JMJD1C-related conditions. Algorithms developed to predict the effect of missense changes on protein structure and function are either unavailable or do not agree on the potential impact of this missense change (SIFT: "Tolerated"; PolyPhen-2: "Possibly Damaging"; Align-GVGD: "Class C0"). In summary, the available evidence is currently insufficient to determine the role of this variant in disease. Therefore, it has been classified as a Variant of Uncertain Significance.